The following is an entry in ClinVar:

NM_001048174.2(MUTYH):c.607-8T>A

Gene: MUTYH (mutY DNA glycosylase; minus strand). Cytogenetic location: 1p34.1.
Variant type: single nucleotide variant.
Coding change: c.607-8T>A on transcript NM_001048174.2 (MANE Select); 8 bases into the intron before coding-DNA position 607, T replaced by A.
Molecular consequence: intron variant.
Genome position (GRCh38, 1-based): chr1:45,332,496, A>T on the plus strand (T>A on the coding strand, the complement: MUTYH is on the minus strand). VCF-style: chr1-45332496-A-T. GRCh37 (hg19) VCF-style: chr1-45798168-A-T.
Other names: c.607-8T>A (NM_001048171.2, NM_001407070.1, NM_001048173.2 and 6 more transcripts); c.652-8T>A (NM_001293190.2); c.640-8T>A (NM_001407069.1, NM_001407077.1, NM_001293191.2); c.682-8T>A (NM_012222.3); c.691-8T>A (NM_001128425.2, NM_001128425.1); c.610-8T>A (NM_001407071.1, NM_001048172.2, NM_001407078.1 and 1 more transcripts); c.262-8T>A (NM_001407082.1, NM_001350651.2, NM_001350650.2); c.331-8T>A (NM_001293196.2, NM_001407091.1, NM_001293192.2); and 5 more.
Identifiers: ClinVar variation 2845028 (VCV002845028.4), dbSNP rs1172990179, ClinGen allele CA2739272359.

ClinVar aggregate classification (germline): Uncertain significance. Review status: criteria provided, multiple submitters, no conflicts (2 of 4 stars). 2 submissions from 2 submitters: Uncertain significance (2). Last evaluated 2024-09-19.

Conditions:
Hereditary cancer-predisposing syndrome. Also called: Tumor predisposition; Hereditary neoplastic syndrome; Hereditary Cancer Syndrome; Neoplastic Syndromes, Hereditary. Identifiers: Orphanet 140162, MedGen C0027672, MeSH D009386, MONDO:0015356.
Familial adenomatous polyposis 2. Also called: COLORECTAL ADENOMATOUS POLYPOSIS, AUTOSOMAL RECESSIVE; ADENOMAS, MULTIPLE COLORECTAL, AUTOSOMAL RECESSIVE; MUTYH-related attenuated familial adenomatous polyposis; MUTYH-associated polyposis; MYH-associated polyposis; MUTYH Polyposis. Identifiers: Orphanet 220460, Orphanet 247798, MedGen C3272841, MONDO:0012041, OMIM 608456.

Submissions (2):

Ambry Genetics
Classification: Uncertain significance for Hereditary cancer-predisposing syndrome. Last evaluated: 2024-09-19. Review status: criteria provided, single submitter. Criteria: Ambry Variant Classification Scheme 2023. Collection method: clinical testing. Allele origin: germline.
Comment: The c.691-8T>A intronic variant results from a T to A substitution 8 nucleotides upstream from coding exon 9 in the MUTYH gene. This nucleotide position is well conserved in available vertebrate species. In silico splice site analysis predicts that this alteration will weaken the native splice acceptor site and will result in the creation or strengthening of a novel splice acceptor site; however, direct evidence is insufficient at this time (Ambry internal data). Based on the available evidence, the clinical significance of this variant remains unclear.

Labcorp Genetics (formerly Invitae), Labcorp
Classification: Uncertain significance for Familial adenomatous polyposis 2. Last evaluated: 2023-03-12. Review status: criteria provided, single submitter. Criteria: Invitae Variant Classification Sherloc (09022015). Collection method: clinical testing. Allele origin: germline.
Comment: This sequence change falls in intron 8 of the MUTYH gene. It does not directly change the encoded amino acid sequence of the MUTYH protein. This variant is not present in population databases (gnomAD no frequency). This variant has not been reported in the literature in individuals affected with MUTYH-related conditions. Algorithms developed to predict the effect of sequence changes on RNA splicing suggest that this variant may disrupt the consensus splice site. In summary, the available evidence is currently insufficient to determine the role of this variant in disease. Therefore, it has been classified as a Variant of Uncertain Significance.